The following is an entry in ClinVar:

ClinVar aggregate classification (germline): Likely pathogenic. Review status: reviewed by expert panel (3 of 4 stars). 13 submissions from 13 submitters: Likely pathogenic (1). 12 of the submissions do not count toward it. Last evaluated 2023-04-05.

Conditions:
PALB2-related cancer predisposition. Identifiers: MedGen CN377761, MONDO:0700272.
Breast-ovarian cancer, familial, susceptibility to, 5 (BROVCA5). Identifiers: MedGen C5830615, MONDO:0957530, OMIM 620442.
Familial cancer of breast. Also called: hereditary breast carcinoma; Hereditary breast cancer; BREAST CANCER, FAMILIAL. Identifiers: Orphanet 227535, MedGen C0346153, MONDO:0016419, OMIM 114480. Disease mechanism: loss of function.
Hereditary cancer-predisposing syndrome. Also called: Tumor predisposition; Neoplastic Syndromes, Hereditary; Hereditary Cancer Syndrome; Hereditary neoplastic syndrome. Identifiers: Orphanet 140162, MedGen C0027672, MeSH D009386, MONDO:0015356.

Allele frequency attached by ClinVar (database versions not stated): gnomAD exomes below 0.00001 and 0.00001; ExAC 0.00002.
gnomAD v4.1: 3 of 1,613,620 alleles (0.00019%); highest among the groups gnomAD compares: Non-Finnish European, 0.00025%; no homozygotes.

Submissions (13):

ClinGen Hereditary Breast, Ovarian and Pancreatic Cancer Variant Curation Expert Panel, ClinGen
Classification: Likely pathogenic for PALB2-related cancer predisposition. Last evaluated: 2023-04-05. Review status: reviewed by expert panel. Criteria: ClinGen HBOP VCEP ACMG Specifications PALB2 V1.0.0. Collection method: curation. Allele origin: germline. Inheritance: Autosomal dominant inheritance.
Comment: The c.2559C>T (p.Gly853=) variant is a synonymous (silent) variant in PALB2. This variant has a minor allele frequency in gnomAD of 0.00001758 in the non-Finnish European population (PM2_Supporting, BS1, and BA1 are not met). This alteration is observed to introduce a cryptic splice site causing a 29 base pair deletion in exon 6, resulting in a frameshift leading to nonsense mediated decay in a gene in which loss-of-function is an established disease mechanism (PMID: 31843900, 32133419). This alteration results in a termination codon upstream of the most C-terminus pathogenic alteration (PALB2 p.Tyr1183*) as classified by the HBOP VCEP, and is expected to be more deleterious. In summary, this variant meets criteria to be classified as likely pathogenic for autosomal dominant hereditary breast and pancreatic cancer and autosomal recessive FANCN based on the ACMG/AMP criteria applied as specified by the HBOP VCEP. (PVS1(RNA), PM5_supporting criteria)

GeneDx
Classification: Likely pathogenic. Last evaluated: 2026-01-12. Review status: criteria provided, single submitter. Criteria: GeneDx Variant Classification Process June 2021. Collection method: clinical testing. Allele origin: germline. Affected: yes. Not counted in ClinVar's aggregate classification.
Comment: Exonic variant demonstrated to cause a near-complete splice defect leading to a predicted null allele in a gene for which loss-of-function is a known mechanism of disease (PMID: 31843900, 31642931, 32133419); Identified in individuals with breast cancer (PMID: 21285249, 30426508); In silico analysis supports a deleterious effect on splicing; Not observed at significant frequency in large population cohorts (gnomAD); This variant is associated with the following publications: (PMID: 26681312, 22692731, 33471991, 24870022, 23935381, 21285249, 32133419, 31642931, 25525159, 30255452, 32853339, 30426508, 40967221, 36495689, 34284872, 31843900)

Labcorp Genetics (formerly Invitae), Labcorp
Classification: Pathogenic for Familial cancer of breast. Last evaluated: 2025-12-08. Review status: criteria provided, single submitter. Criteria: Invitae Variant Classification Sherloc (09022015). Collection method: clinical testing. Allele origin: germline. Not counted in ClinVar's aggregate classification.
Comment: This sequence change affects codon 853 of the PALB2 mRNA. It is a 'silent' change, meaning that it does not change the encoded amino acid sequence of the PALB2 protein. RNA analysis indicates that this variant induces altered splicing and may result in an absent or altered protein product. This variant is present in population databases (rs180177115, gnomAD 0.002%). This variant has been observed in individual(s) with pancreatic cancer and breast cancer (PMID: 21285249, 26681312, 30426508). ClinVar contains an entry for this variant (Variation ID: 126660). Studies have shown that this variant results in activation of a cryptic splice site, and produces a non-functional protein and/or introduces a premature termination codon (PMID: 21285249, 31642931, 31843900; internal data). For these reasons, this variant has been classified as Pathogenic.

First Genomix Gene Laboratory, Genetic Diagnostics Department
Classification: Likely pathogenic for Breast-ovarian cancer, familial, susceptibility to, 5. Last evaluated: 2025-01-10. Review status: criteria provided, single submitter. Criteria: ACMG Guidelines, 2015. Collection method: clinical testing. Allele origin: germline. Inheritance: Autosomal recessive inheritance. Affected: no. Observed: 1 variant allele. Not counted in ClinVar's aggregate classification.

Quest Diagnostics Nichols Institute San Juan Capistrano
Classification: Likely pathogenic. Last evaluated: 2024-09-29. Review status: criteria provided, single submitter. Criteria: Quest Diagnostics criteria. Collection method: clinical testing. Allele origin: unknown. Not counted in ClinVar's aggregate classification.
Comment: The PALB2 c.2559C>T (p.Gly853=) synonymous variant has been reported in the published literature in individuals with breast and/or ovarian cancer (PMIDs: 21285249 (2011), 30426508 (2018), 30255452 (2019)) and pancreatic cancer (PMID: 26681312 (2015)). Experimental studies show this variant is damaging to protein function by introducing a cryptic splice site that leads to a 29 bp deletion and frameshift, resulting in a premature termination codon (PMIDs: 21285249 (2011), 31642931 (2019), 31843900 (2019), 32133419 (2020)). The frequency of this variant in the general population, 0.000008 (2/251262 chromosomes (Genome Aggregation Database)), is uninformative in the assessment of its pathogenicity. Analysis of this variant using software algorithms for the prediction of the effect of nucleotide changes on PALB2 mRNA splicing yielded predictions that this variant may result in the gain of a cryptic splice site without affecting the natural splice sites. Based on the available information, this variant is classified as likely pathogenic.

Ambry Genetics
Classification: Pathogenic for Hereditary cancer-predisposing syndrome. Last evaluated: 2024-05-29. Review status: criteria provided, single submitter. Criteria: Ambry Variant Classification Scheme 2023. Collection method: clinical testing. Allele origin: germline. Not counted in ClinVar's aggregate classification.
Comment: The c.2559C>T pathogenic mutation (also known as p.G853G), located in coding exon 6 of the PALB2 gene, results from a C to T substitution at nucleotide position 2559. This nucleotide substitution does not change the amino acid glycine at codon 853. This alteration was identified in a patient with bilateral breast cancer (Schubert S et al. Int. J. Cancer. 2019 Jun 1;144(11):2683-2694). This alteration was identified in 1/10030 consecutive patients referred for evaluation by an NGS hereditary cancer panel in a patient with pancreatic cancer (Susswein LR et al. Genet. Med. 2016 Aug;18(8):823-32). Analysis of the mutant transcripts showed that c.2559C>T creates a novel donor site causing a frameshift deletion of 29 base pairs in coding exon 6 (Casadei S et al. Cancer Res. 2011 Mar 15;71(6):2222-9). Quantitative RNA studies showed that 98% of transcripts produced by c.2559C>T variant were abnormal (Casadei S et al. Proc. Natl. Acad. Sci. U.S.A., 2019 Dec). In silico splice site analysis predicts that this alteration will weaken the native splice donor site and will result in the creation or strengthening of a novel splice donor site. Multiple internal RNA assays confirm that c.2559C>T results in abnormal splicing in the set of samples tested (Ambry internal data). Based on the supporting evidence, this alteration is interpreted as a disease-causing mutation.

Myriad Genetics, Inc.
Classification: Likely pathogenic for Familial cancer of breast. Last evaluated: 2023-09-13. Review status: criteria provided, single submitter. Criteria: Myriad Autosomal Dominant, Autosomal Recessive and X-Linked Classification Criteria (2023). Collection method: clinical testing. Allele origin: unknown. Not counted in ClinVar's aggregate classification.
Comment: This variant is considered likely pathogenic. mRNA analysis has demonstrated abnormal mRNA splicing occurs [Myriad internal data].

Baylor Genetics
Classification: Likely pathogenic for Familial cancer of breast. Last evaluated: 2022-12-22. Review status: criteria provided, single submitter. Criteria: ACMG Guidelines, 2015. Collection method: clinical testing. Allele origin: unknown. Not counted in ClinVar's aggregate classification.

Institute of Human Genetics, University of Leipzig Medical Center
Classification: Likely pathogenic for Familial cancer of breast. Last evaluated: 2022-03-31. Review status: criteria provided, single submitter. Criteria: ACMG Guidelines, 2015. Collection method: clinical testing. Allele origin: unknown. Affected: yes. Not counted in ClinVar's aggregate classification.
Comment: _x000D_ Criteria applied: PS3, PS4_MOD, PM2_SUP, PP3

Color Diagnostics, LLC DBA Color Health
Classification: Pathogenic for Hereditary cancer-predisposing syndrome. Last evaluated: 2021-09-17. Review status: criteria provided, single submitter. Criteria: ACMG Guidelines, 2015. Collection method: clinical testing. Allele origin: germline. Not counted in ClinVar's aggregate classification.
Comment: This synonymous variant is predicted to activate a cryptic splice donor site located 29 nucleotides upstream of the reference splice site. RNA studies have shown the use of this cryptic splice donor site, leading to a deletion of 29 nucleotides at the end of exon 6 (PMID: 21285249, 31843900, 32133419). As a result, this variant creates a frameshift and premature translation stop signal and is expected to result in an absent or non-functional protein product (PMID: 31843900). This variant has been reported in individuals affected with breast cancer (PMID: 21285249, 30426508) and pancreatic cancer (PMID: 26681312) in the literature. This variant has also been identified in 2/251262 chromosomes in the general population by the Genome Aggregation Database (gnomAD). Loss of PALB2 function is a known mechanism of disease. Based on available evidence, this variant is classified as Pathogenic.

Institute of Medical Genetics and Applied Genomics, University Hospital Tübingen
Classification: Likely pathogenic. Last evaluated: 2020-10-23. Review status: criteria provided, single submitter. Criteria: ACMG Guidelines, 2015. Collection method: clinical testing. Allele origin: germline. Inheritance: Unknown mechanism. Affected: yes. Not counted in ClinVar's aggregate classification.

King Laboratory, University of Washington
Classification: Pathogenic for Familial cancer of breast; Hereditary cancer-predisposing syndrome. Last evaluated: 2019-09-01. Review status: no assertion criteria provided. Collection method: research. Allele origin: germline. Affected: yes. Not counted in ClinVar's aggregate classification.
Comment: Transcript analysis by cBROCA

Leiden Open Variation Database
Classification: Likely pathogenic for Familial cancer of breast. Last evaluated: 2019-05-13. Review status: no assertion criteria provided. Collection method: curation. Allele origin: germline. Affected: yes. Not counted in ClinVar's aggregate classification.
Comment: Curators: Marc Tischkowitz, Arleen D. Auerbach. Submitter to LOVD: Marc Tischkowitz.

Literature cited by the submitters: PubMed 21285249 (cited by 4 submitters); PubMed 26681312 (cited by 3 submitters); PubMed 30426508 (cited by 3 submitters); PubMed 31642931 (cited by Labcorp Genetics (formerly Invitae), Labcorp and Quest Diagnostics Nichols Institute San Juan Capistrano); PubMed 31843900 (cited by 5 submitters); PubMed 30255452 (cited by Quest Diagnostics Nichols Institute San Juan Capistrano); PubMed 32133419 (cited by Quest Diagnostics Nichols Institute San Juan Capistrano and Color Diagnostics, LLC DBA Color Health).

NM_024675.4(PALB2):c.2559C>T (p.Gly853=)

Gene: PALB2 (partner and localizer of BRCA2; minus strand). Cytogenetic location: 16p12.2.
Variant type: single nucleotide variant.
Coding change: c.2559C>T on transcript NM_024675.4 (MANE Select); coding-DNA position 2559, C replaced by T.
Protein change: p.Gly853=; no amino-acid change (glycine 853 retained).
Molecular consequence: synonymous variant.
Genome position (GRCh38, 1-based): chr16:23,629,231, G>A on the plus strand (C>T on the coding strand, the complement: PALB2 is on the minus strand). VCF-style: chr16-23629231-G-A. GRCh37 (hg19) VCF-style: chr16-23640552-G-A.
Other names: p.G853G:GGC>GGT; NM_024675.3(PALB2):c.2559C>T; p.Gly853=.
Identifiers: ClinVar variation 126660 (VCV000126660.40), dbSNP rs180177115, ClinGen allele CA269540.